The following is an entry in ClinVar:

NM_001374385.1(ATP8B1):c.2927C>A (p.Ala976Glu)

Genes: ATP8B1 (ATPase phospholipid transporting 8B1; minus strand), ATP8B1-AS1 (ATP8B1 antisense RNA 1; plus strand). Cytogenetic location: 18q21.31.
Variant type: single nucleotide variant.
Coding change: c.2927C>A on transcript NM_001374385.1 (MANE Select); coding-DNA position 2927, C replaced by A.
Protein change: p.Ala976Glu; replaces alanine 976 with glutamic acid.
Molecular consequence: missense variant.
Genome position (GRCh38, 1-based): chr18:57,655,198, G>T on the plus strand (C>A on the coding strand, the complement: ATP8B1 is on the minus strand). VCF-style: chr18-57655198-G-T. GRCh37 (hg19) VCF-style: chr18-55322430-G-T.
Other names: c.2777C>A, p.Ala926Glu (NM_001374386.1); c.2927C>A, p.Ala976Glu (NM_005603.6); short protein forms A926E, A976E.
Identifiers: ClinVar variation 4846619 (VCV004846619.1).

ClinVar aggregate classification (germline): Uncertain significance (1 of 4 stars; one submission).

Conditions:
Familial intrahepatic cholestasis. Identifiers: Orphanet 284385, MedGen CN296401, MONDO:0017290.

gnomAD v4.1: 1 of 1,603,038 alleles (0.000062%); highest among the groups gnomAD compares: Non-Finnish European, 0.000085%; no homozygotes.

Submission:

Genomenon, Inc
Classification: Uncertain significance for Familial intrahepatic cholestasis. Last evaluated: 2026-04-14. Review status: criteria provided, single submitter. Criteria: Genomenon Sequence Variant Interpretation Standards - Updated. Collection method: curation. Allele origin: germline. Affected: no.
Comment: ATP8B1 p.Ala976Glu (c.2927C>A) is a missense variant that changes the amino acid at residue 976 from Alanine to Glutamic acid. This variant has been reported in the published literature (PMID:37208429;24260417). It is absent or not present at a significant frequency in gnomAD. In conclusion, we classify ATP8B1 p.Ala976Glu (c.2927C>A) as a variant of uncertain significance.

Literature cited by the submitters: PubMed 37208429; PubMed 24260417.